The following is an entry in ClinVar:

NM_001122659.3(EDNRB):c.1212G>A (p.Trp404Ter)

Genes: EDNRB (endothelin receptor type B; minus strand), EDNRB-AS1 (EDNRB antisense RNA 1; plus strand). Cytogenetic location: 13q22.3.
Variant type: single nucleotide variant.
Coding change: c.1212G>A on transcript NM_001122659.3 (MANE Select); coding-DNA position 1212, G replaced by A.
Protein change: p.Trp404Ter; replaces tryptophan 404 with a stop codon.
Molecular consequence: nonsense. On other transcripts: intron variant (1).
Genome position (GRCh38, 1-based): chr13:77,898,317, C>T on the plus strand (G>A on the coding strand, the complement: EDNRB is on the minus strand). VCF-style: chr13-77898317-C-T. GRCh37 (hg19) VCF-style: chr13-78472452-C-T.
Other names: c.1482G>A, p.Trp494Ter (NM_001201397.2); c.1194+1542G>A (NM_003991.4); c.1212G>A, p.Trp404Ter (NM_000115.5); short protein forms W404*, W494*.
Identifiers: ClinVar variation 1218338 (VCV001218338.4), dbSNP rs1566302937, ClinGen allele CA388450788.

ClinVar aggregate classification (germline): Uncertain significance. Review status: criteria provided, multiple submitters, no conflicts (2 of 4 stars). 2 submissions from 2 submitters: Uncertain significance (2). Last evaluated 2021-11-01.

Conditions:
ABCD syndrome (ABCDS). Identifiers: MedGen C1838099, MONDO:0010895, OMIM 600501.
Waardenburg syndrome type 4A (WS4A). Also called: WAARDENBURG SYNDROME WITH HIRSCHSPRUNG DISEASE, TYPE 4A. Identifiers: Orphanet 897, MedGen C1848519, MONDO:0010192, OMIM 277580.
Hirschsprung disease, susceptibility to, 2. Identifiers: Orphanet 388, MedGen C1838564, MONDO:0010833, OMIM 600155.

Submissions (2):

Fulgent Genetics
Classification: Uncertain significance for Waardenburg syndrome type 4A; Hirschsprung disease, susceptibility to, 2; ABCD syndrome. Last evaluated: 2021-11-01. Review status: criteria provided, single submitter. Criteria: ACMG Guidelines, 2015. Collection method: clinical testing. Allele origin: unknown.

GeneDx
Classification: Uncertain significance. Last evaluated: 2020-10-29. Review status: criteria provided, single submitter. Criteria: GeneDx Variant Classification Process June 2021. Collection method: clinical testing. Allele origin: germline. Affected: yes.
Comment: Nonsense variant predicted to result in protein truncation as the last 39 amino acids are lost, although loss-of-function variants have not been reported downstream of this position in the protein; Not observed in large population cohorts (Lek et al., 2016); Has not been previously published as pathogenic or benign to our knowledge